The following is an entry in ClinVar:

NM_177438.3(DICER1):c.5522T>A (p.Leu1841Gln)

Gene: DICER1 (dicer 1, ribonuclease III; minus strand). Cytogenetic location: 14q32.13.
Variant type: single nucleotide variant.
Coding change: c.5522T>A on transcript NM_177438.3 (MANE Select); coding-DNA position 5522, T replaced by A.
Protein change: p.Leu1841Gln; replaces leucine 1841 with glutamine.
Molecular consequence: missense variant. On other transcripts: non-coding transcript variant (6), intron variant (1).
Genome position (GRCh38, 1-based): chr14:95,091,208, A>T on the plus strand (T>A on the coding strand, the complement: DICER1 is on the minus strand). VCF-style: chr14-95091208-A-T. GRCh37 (hg19) VCF-style: chr14-95557545-A-T.
Other names: c.5522T>A, p.Leu1841Gln (NM_001271282.3, NM_001291628.2, NM_001395677.1 and 8 more transcripts); c.5240T>A, p.Leu1747Gln (NM_001395686.1); c.5117T>A, p.Leu1706Gln (NM_001395687.1, NM_001395688.1, NM_001395689.1 and 1 more transcripts); c.4955T>A, p.Leu1652Gln (NM_001395691.1); c.3839T>A, p.Leu1280Gln (NM_001395697.1); c.5365-99T>A (NM_001195573.1); short protein forms L1706Q, L1652Q, L1280Q, L1747Q, L1841Q.
Identifiers: ClinVar variation 2566207 (VCV002566207.2), dbSNP rs754642180, ClinGen allele CA390864469.
Genomic context (GRCh38, chr14:95,091,208, plus strand): 5'-TGAAGTTGTTTTTAATTTTGTGGGTTTTTTTCTTTCTAAAGGGAGCCAACAATACCTATT[A>T]GTGGCCGCATCATGGGATAGTACACCTGCCAGACTGTCTCCAGTGACATCCCACTATCCA-3'
Protein context (NP_803187.1, residues 1831-1851): WQVYYPMMRP[Leu1841Gln]IEKFSANVPR

ClinVar aggregate classification (germline): Uncertain significance (1 of 4 stars; one submission).

Conditions:
Hereditary cancer-predisposing syndrome. Also called: Neoplastic Syndromes, Hereditary; Hereditary Cancer Syndrome; Hereditary neoplastic syndrome; Tumor predisposition. Identifiers: Orphanet 140162, MedGen C0027672, MeSH D009386, MONDO:0015356.

Submission:

Ambry Genetics
Classification: Uncertain significance for Hereditary cancer-predisposing syndrome. Last evaluated: 2023-05-26. Review status: criteria provided, single submitter. Criteria: Ambry Variant Classification Scheme 2023. Collection method: clinical testing. Allele origin: germline.
Comment: The p.L1841Q variant (also known as c.5522T>A), located in coding exon 24 of the DICER1 gene, results from a T to A substitution at nucleotide position 5522. The leucine at codon 1841 is replaced by glutamine, an amino acid with dissimilar properties. This amino acid position is conserved. In addition, this alteration is predicted to be deleterious by in silico analysis. Since supporting evidence is limited at this time, the clinical significance of this alteration remains unclear.